The following is an entry in ClinVar:

NM_000052.7(ATP7A):c.3245G>A (p.Ser1082Asn)

Gene: ATP7A (ATPase copper transporting alpha; plus strand). Cytogenetic location: Xq21.1.
Variant type: single nucleotide variant.
Coding change: c.3245G>A on transcript NM_000052.7 (MANE Select); coding-DNA position 3245, G replaced by A.
Protein change: p.Ser1082Asn; replaces serine 1082 with asparagine.
Molecular consequence: missense variant. On other transcripts: non-coding transcript variant (1).
Genome position (GRCh38, 1-based): chrX:78,031,533, G>A. VCF-style: chrX-78031533-G-A. GRCh37 (hg19) VCF-style: chrX-77287031-G-A.
Other names: c.3011G>A, p.Ser1004Asn (NM_001282224.2); c.3245G>A (NM_000052.4); short protein forms S1004N, S1082N.
Identifiers: ClinVar variation 651307 (VCV000651307.10), dbSNP rs1603389390, ClinGen allele CA413603717.
Genomic context (GRCh38, chrX:78,031,533, plus strand): 5'-TAACTGAAAGTAACAGAATATCACACCATAAAATCTTGGCCATTGTGGGAACTGCTGAAA[G>A]TAACAGTGAACACCCTCTAGGAACAGCCATAACCAAATATTGCAAACAGGTACATTTTTT-3'
Protein context (NP_000043.4, residues 1072-1092): KILAIVGTAE[Ser1082Asn]NSEHPLGTAI

ClinVar aggregate classification (germline): Uncertain significance. Review status: criteria provided, multiple submitters, no conflicts (2 of 4 stars). 2 submissions from 2 submitters: Uncertain significance (2). Last evaluated 2026-04-06.

Conditions:
Inborn genetic diseases. Identifiers: MedGen C0950123, MeSH D030342.
Menkes kinky-hair syndrome (MNK). Also called: Classic Menkes Disease; Copper transport disease; Menkes Disease. Identifiers: Orphanet 565, MedGen C0022716, MONDO:0010651, OMIM 309400.
X-linked distal spinal muscular atrophy type 3. Also called: ATP7A-Related Distal Motor Neuropathy; NEURONOPATHY, DISTAL HEREDITARY MOTOR, X-LINKED; NEUROPATHY, DISTAL HEREDITARY MOTOR, X-LINKED; SPINAL MUSCULAR ATROPHY, DISTAL, X-LINKED RECESSIVE. Identifiers: Orphanet 139557, MedGen C1845359, MONDO:0010338, OMIM 300489.
Cutis laxa, X-linked (OHS). Also called: EDS IX; Occipital horn syndrome. Identifiers: Orphanet 198, MedGen C0268353, MONDO:0010572, OMIM 304150.

Submissions (2):

Ambry Genetics
Classification: Uncertain significance for Inborn genetic diseases. Last evaluated: 2026-04-06. Review status: criteria provided, single submitter. Criteria: Ambry Variant Classification Scheme 2023. Collection method: clinical testing. Allele origin: germline.

Labcorp Genetics (formerly Invitae), Labcorp
Classification: Uncertain significance for X-linked distal spinal muscular atrophy type 3; Cutis laxa, X-linked; Menkes kinky-hair syndrome. Last evaluated: 2018-11-20. Review status: criteria provided, single submitter. Criteria: Invitae Variant Classification Sherloc (09022015). Collection method: clinical testing. Allele origin: germline.
Comment: This variant has not been reported in the literature in individuals with ATP7A-related disease. This sequence change replaces serine with asparagine at codon 1082 of the ATP7A protein (p.Ser1082Asn). The serine residue is highly conserved and there is a small physicochemical difference between serine and asparagine. This variant is not present in population databases (ExAC no frequency). Algorithms developed to predict the effect of missense changes on protein structure and function (SIFT, PolyPhen-2, Align-GVGD) all suggest that this variant is likely to be tolerated, but these predictions have not been confirmed by published functional studies and their clinical significance is uncertain. In summary, the available evidence is currently insufficient to determine the role of this variant in disease. Therefore, it has been classified as a Variant of Uncertain Significance.